The following is an entry in ClinVar:

NM_014822.4(SEC24D):c.83A>G (p.His28Arg)

Gene: SEC24D (SEC24 homolog D, COPII coat complex component; minus strand). Cytogenetic location: 4q26.
Variant type: single nucleotide variant.
Coding change: c.83A>G on transcript NM_014822.4 (MANE Select); coding-DNA position 83, A replaced by G.
Protein change: p.His28Arg; replaces histidine 28 with arginine.
Molecular consequence: missense variant.
Genome position (GRCh38, 1-based): chr4:118,833,614, T>C on the plus strand (A>G on the coding strand, the complement: SEC24D is on the minus strand). VCF-style: chr4-118833614-T-C. GRCh37 (hg19) VCF-style: chr4-119754769-T-C.
Other names: c.83A>G, p.His28Arg (NM_001318066.2); short protein forms H28R.
Identifiers: ClinVar variation 1446554 (VCV001446554.5), dbSNP rs758335217, ClinGen allele CA3057657.
Genomic context (GRCh38, chr4:118,833,614, plus strand): 5'-TACAAGTCAAAATAACACACTGTACCTGTTGGAGATGCTGTGTGCGACGGATCCCCATAG[T>C]GCCCATAATGAGGTGGAGAAAGGCCTATTCCAGGCTGAGGCTGAGAATACGGAGGTGTAG-3'
Protein context (NP_055637.2, residues 18-38): GIGLSPPHYG[His28Arg]YGDPSHTASP

ClinVar aggregate classification (germline): Uncertain significance (1 of 4 stars; one submission).

Allele frequency attached by ClinVar (database versions not stated): gnomAD exomes below 0.00001 and 0.00002; TOPMed below 0.00001; ExAC 0.00001; gnomAD 0.00001.
gnomAD v4.1: 7 of 1,613,882 alleles (0.00043%); highest among the groups gnomAD compares: African/African-American, 0.004%; no homozygotes.

Submission:

Labcorp Genetics (formerly Invitae), Labcorp
Classification: Uncertain significance. Last evaluated: 2022-06-29. Review status: criteria provided, single submitter. Criteria: Invitae Variant Classification Sherloc (09022015). Collection method: clinical testing. Allele origin: germline.
Comment: In summary, the available evidence is currently insufficient to determine the role of this variant in disease. Therefore, it has been classified as a Variant of Uncertain Significance. Algorithms developed to predict the effect of missense changes on protein structure and function are either unavailable or do not agree on the potential impact of this missense change (SIFT: "Not Available"; PolyPhen-2: "Possibly Damaging"; Align-GVGD: "Not Available"). This variant has not been reported in the literature in individuals affected with SEC24D-related conditions. This variant is present in population databases (rs758335217, gnomAD 0.004%). This sequence change replaces histidine, which is basic and polar, with arginine, which is basic and polar, at codon 28 of the SEC24D protein (p.His28Arg).